The following is an entry in ClinVar:

NM_001370259.2(MEN1):c.1437del (p.Arg480fs)

Gene: MEN1 (menin 1; minus strand). Cytogenetic location: 11q13.1.
Variant type: Deletion.
Coding change: c.1437del on transcript NM_001370259.2 (MANE Select); coding-DNA position 1437, one base deleted (G; older notation c.1437delG).
Protein change: p.Arg480fs; shifts the reading frame from arginine 480.
Molecular consequence: frameshift variant.
Genome position (GRCh38, 1-based): chr11:64,804,730, C deleted on the plus strand (G on the coding strand, the reverse complement: MEN1 is on the minus strand); the first of 2 consecutive C bases (chr11:64,804,730-64,804,731); deleting either gives the same sequence. VCF-style (leftmost placement, unchanged base first): chr11-64804729-GC-G. GRCh37 (hg19) VCF-style: chr11-64572201-GC-G.
Other names: c.1332del, p.Arg445fs (NM_001370263.2, NM_001370262.2); c.1437del, p.Arg480fs (NM_130799.3, NM_001370260.2, NM_001370261.2); c.1452del, p.Arg485fs (NM_130800.3, NM_130801.3, NM_130802.3 and 3 more transcripts); c.1563del, p.Arg522fs (NM_001370251.2); short protein forms R480fs, R485fs, R445fs, R522fs.
Identifiers: ClinVar variation 945990 (VCV000945990.9), dbSNP rs1941550964, ClinGen allele CA1139661995.

ClinVar aggregate classification (germline): Pathogenic (1 of 4 stars; one submission).

Conditions:
Multiple endocrine neoplasia, type 1 (MEN1). Also called: MEN I; WERMER SYNDROME; Endocrine adenomatosis multiple; MEN 1; MEA I. Identifiers: Orphanet 652, MedGen C0025267, MeSH D018761, MONDO:0007540, OMIM 131100.

Submission:

Labcorp Genetics (formerly Invitae), Labcorp
Classification: Pathogenic for Multiple endocrine neoplasia, type 1. Last evaluated: 2019-07-03. Review status: criteria provided, single submitter. Criteria: Invitae Variant Classification Sherloc (09022015). Collection method: clinical testing. Allele origin: germline.
Comment: This sequence change results in a premature translational stop signal in the MEN1 gene (p.Arg480Glyfs*79). While this is not anticipated to result in nonsense mediated decay, it is expected to disrupt the last 131 amino acids of the MEN1 protein. This variant disrupts the C-terminus of the MEN1 protein. Other variant(s) that disrupt this region (p.Thr580Argfs*8) have been determined to be pathogenic (PMID: 15331604, 16449969). This suggests that variants that disrupt this region of the protein are likely to be causative of disease. For these reasons, this variant has been classified as Pathogenic. This variant has not been reported in the literature in individuals with MEN1-related conditions. This variant is not present in population databases (ExAC no frequency).

Literature cited by the submitters: PubMed 15331604; PubMed 16449969.